The following is an entry in ClinVar:

NM_007194.4(CHEK2):c.792+10A>C

Gene: CHEK2 (checkpoint kinase 2; minus strand). Cytogenetic location: 22q12.1.
Variant type: single nucleotide variant.
Coding change: c.792+10A>C on transcript NM_007194.4 (MANE Select); 10 bases into the intron after coding-DNA position 792, A replaced by C.
Molecular consequence: intron variant.
Genome position (GRCh38, 1-based): chr22:28,711,899, T>G on the plus strand (A>C on the coding strand, the complement: CHEK2 is on the minus strand). VCF-style: chr22-28711899-T-G. GRCh37 (hg19) VCF-style: chr22-29107887-T-G.
Other names: c.129+10A>C (NM_001437942.1, NM_001257387.3); c.591+10A>C (NM_001349956.3); c.792+10A>C (NM_145862.3); c.885+10A>C (NM_001438295.1, NM_001438293.1); c.921+10A>C (NM_001438294.1, NM_001005735.3).
Identifiers: ClinVar variation 3772938 (VCV003772938.1).

ClinVar aggregate classification (germline): Likely benign (1 of 4 stars; one submission).

Conditions:
Familial cancer of breast. Also called: Hereditary breast cancer; BREAST CANCER, FAMILIAL; hereditary breast carcinoma. Identifiers: Orphanet 227535, MedGen C0346153, MONDO:0016419, OMIM 114480. Disease mechanism: loss of function.

Submission:

Myriad Genetics, Inc.
Classification: Likely benign for Familial cancer of breast. Last evaluated: 2024-10-03. Review status: criteria provided, single submitter. Criteria: Myriad Autosomal Dominant, Autosomal Recessive and X-Linked Classification Criteria (2023). Collection method: clinical testing. Allele origin: unknown.
Comment: This variant is considered likely benign. This variant is intronic and is not expected to impact mRNA splicing.